The following is an entry in ClinVar:

ClinVar aggregate classification (germline): Uncertain significance (1 of 4 stars; one submission).

Conditions:
Hereditary cancer-predisposing syndrome. Also called: Neoplastic Syndromes, Hereditary; Tumor predisposition; Hereditary Cancer Syndrome; Hereditary neoplastic syndrome. Identifiers: Orphanet 140162, MedGen C0027672, MeSH D009386, MONDO:0015356.

Submission:

Ambry Genetics
Classification: Uncertain significance for Hereditary cancer-predisposing syndrome. Last evaluated: 2025-11-04. Review status: criteria provided, single submitter. Criteria: Ambry Variant Classification Scheme 2023. Collection method: clinical testing. Allele origin: germline.
Comment: The p.V351E variant (also known as c.1052T>A), located in coding exon 10 of the FANCC gene, results from a T to A substitution at nucleotide position 1052. The valine at codon 351 is replaced by glutamic acid, an amino acid with dissimilar properties. This amino acid position is conserved. In addition, this alteration is predicted to be tolerated by in silico analysis. Based on the available evidence, the clinical significance of this variant remains unclear.

NM_000136.3(FANCC):c.1052T>A (p.Val351Glu)

Genes: AOPEP (aminopeptidase O (putative); plus strand), FANCC (FA complementation group C; minus strand). Cytogenetic location: 9q22.32.
Variant type: single nucleotide variant.
Coding change: c.1052T>A on transcript NM_000136.3 (MANE Select); coding-DNA position 1052, T replaced by A.
Protein change: p.Val351Glu; replaces valine 351 with glutamic acid.
Molecular consequence: missense variant.
Genome position (GRCh38, 1-based): chr9:95,117,335, A>T on the plus strand (T>A on the coding strand, the complement: FANCC is on the minus strand). VCF-style: chr9-95117335-A-T. GRCh37 (hg19) VCF-style: chr9-97879617-A-T.
Other names: c.1052T>A, p.Val351Glu (NM_001243743.2, NM_001243744.2); short protein forms V351E.
Identifiers: ClinVar variation 4641176 (VCV004641176.1).